The following is an entry in ClinVar:

NM_001164277.2(SLC37A4):c.540C>T (p.Ser180=)

Gene: SLC37A4 (solute carrier family 37 member 4; minus strand). Cytogenetic location: 11q23.3.
Variant type: single nucleotide variant.
Coding change: c.540C>T on transcript NM_001164277.2 (MANE Select); coding-DNA position 540, C replaced by T.
Protein change: p.Ser180=; no amino-acid change (serine 180 retained).
Molecular consequence: synonymous variant.
Genome position (GRCh38, 1-based): chr11:119,027,713, G>A on the plus strand (C>T on the coding strand, the complement: SLC37A4 is on the minus strand). VCF-style: chr11-119027713-G-A. GRCh37 (hg19) VCF-style: chr11-118898423-G-A.
Other names: c.540C>T, p.Ser180= (NM_001164278.2, NM_001164280.2, NM_001467.6); c.321C>T, p.Ser107= (NM_001164279.2).
Identifiers: ClinVar variation 388733 (VCV000388733.13), dbSNP rs371716153, ClinGen allele CA6311816.

ClinVar aggregate classification (germline): Likely benign. Review status: criteria provided, multiple submitters, no conflicts (2 of 4 stars). 3 submissions from 3 submitters: Likely benign (3). Last evaluated 2025-12-17.

Conditions:
Inborn genetic diseases. Identifiers: MedGen C0950123, MeSH D030342.
Glucose-6-phosphate transport defect (GSD1B). Also called: GSD Ib; Glycogen Storage Disease Type Ib. Identifiers: Orphanet 364, Orphanet 79259, MedGen C0268146, MONDO:0009288, OMIM 232220.

Allele frequency attached by ClinVar (database versions not stated): gnomAD exomes 0.00004 and 0.00013; TOPMed 0.00007; gnomAD 0.00262 and 0.00242; ESP Exome Variant Server 0.00008; ExAC 0.00015.

Submissions (3):

Labcorp Genetics (formerly Invitae), Labcorp
Classification: Likely benign for Glucose-6-phosphate transport defect. Last evaluated: 2025-12-17. Review status: criteria provided, single submitter. Criteria: Invitae Variant Classification Sherloc (09022015). Collection method: clinical testing. Allele origin: germline.

Ambry Genetics
Classification: Likely benign for Inborn genetic diseases. Last evaluated: 2019-10-23. Review status: criteria provided, single submitter. Criteria: Ambry Variant Classification Scheme 2023. Collection method: clinical testing. Allele origin: germline.

GeneDx
Classification: Likely benign. Last evaluated: 2016-09-02. Review status: criteria provided, single submitter. Criteria: GeneDx Variant Classification (06012015). Collection method: clinical testing. Allele origin: germline. Affected: yes.
Comment: This variant is considered likely benign or benign based on one or more of the following criteria: it is a conservative change, it occurs at a poorly conserved position in the protein, it is predicted to be benign by multiple in silico algorithms, and/or has population frequency not consistent with disease.